The following is an entry in ClinVar:

ClinVar aggregate classification (germline): Uncertain significance (1 of 4 stars; one submission).

Conditions:
Hereditary cancer-predisposing syndrome. Also called: Hereditary Cancer Syndrome; Neoplastic Syndromes, Hereditary; Tumor predisposition; Hereditary neoplastic syndrome. Identifiers: Orphanet 140162, MedGen C0027672, MeSH D009386, MONDO:0015356.

gnomAD v4.1: 5 of 1,614,080 alleles (0.00031%); highest among the groups gnomAD compares: South Asian, 0.0044%; no homozygotes.

Submission:

Labcorp Genetics (formerly Invitae), Labcorp
Classification: Uncertain significance for Hereditary cancer-predisposing syndrome. Last evaluated: 2022-01-06. Review status: criteria provided, single submitter. Criteria: Invitae Variant Classification Sherloc (09022015). Collection method: clinical testing. Allele origin: germline.
Comment: In summary, the available evidence is currently insufficient to determine the role of this variant in disease. Therefore, it has been classified as a Variant of Uncertain Significance. Algorithms developed to predict the effect of missense changes on protein structure and function are either unavailable or do not agree on the potential impact of this missense change (SIFT: "Tolerated"; PolyPhen-2: "Probably Damaging"; Align-GVGD: "Class C0"). This variant has not been reported in the literature in individuals affected with RAD50-related conditions. This variant is present in population databases (no rsID available, gnomAD 0.003%). This sequence change replaces valine, which is neutral and non-polar, with leucine, which is neutral and non-polar, at codon 12 of the RAD50 protein (p.Val12Leu).

NM_005732.4(RAD50):c.34G>T (p.Val12Leu)

Gene: RAD50 (RAD50 double strand break repair protein; plus strand). Cytogenetic location: 5q31.1.
Variant type: single nucleotide variant.
Coding change: c.34G>T on transcript NM_005732.4 (MANE Select); coding-DNA position 34, G replaced by T.
Protein change: p.Val12Leu; replaces valine 12 with leucine.
Molecular consequence: missense variant.
Genome position (GRCh38, 1-based): chr5:132,557,358, G>T. VCF-style: chr5-132557358-G-T. GRCh37 (hg19) VCF-style: chr5-131893050-G-T.
Other names: short protein forms V12L.
Identifiers: ClinVar variation 1974111 (VCV001974111.5), dbSNP rs755022536, ClinGen allele CA360950910.